The following is an entry in ClinVar:

NM_023034.2(NSD3):c.388C>G (p.Pro130Ala)

Gene: NSD3 (nuclear receptor binding SET domain protein 3; minus strand). Cytogenetic location: 8p11.23.
Variant type: single nucleotide variant.
Coding change: c.388C>G on transcript NM_023034.2 (MANE Select); coding-DNA position 388, C replaced by G.
Protein change: p.Pro130Ala; replaces proline 130 with alanine.
Molecular consequence: missense variant.
Genome position (GRCh38, 1-based): chr8:38,347,784, G>C on the plus strand (C>G on the coding strand, the complement: NSD3 is on the minus strand). VCF-style: chr8-38347784-G-C. GRCh37 (hg19) VCF-style: chr8-38205302-G-C.
Other names: c.388C>G, p.Pro130Ala (NM_017778.3); short protein forms P130A.
Identifiers: ClinVar variation 1331507 (VCV001331507.4), dbSNP rs1426067826, ClinGen allele CA370719965.
Genomic context (GRCh38, chr8:38,347,784, plus strand): 5'-AGCCAGTCTTCTTTGGAATCACAGTTTGTGGTACCGAAGGAGGAGGTGGTGGCTGTGGAG[G>C]GGAAGGTTTTTCCAGAATTTCATGTGGTCTTGTGTTTGGAATTTCTGAATGATAATAGTC-3'
Protein context (NP_075447.1, residues 120-140): RPHEILEKPS[Pro130Ala]PQPPPPPSVP

ClinVar aggregate classification (germline): Uncertain significance (1 of 4 stars; one submission).

Allele frequency attached by ClinVar (database versions not stated): gnomAD exomes below 0.00001.
gnomAD v4.1: 4 of 1,613,688 alleles (0.00025%); highest among the groups gnomAD compares: South Asian, 0.0044%; no homozygotes.

Submission:

Greenwood Genetic Center Diagnostic Laboratories, Greenwood Genetic Center
Classification: Uncertain significance. Last evaluated: 2020-11-06. Review status: criteria provided, single submitter. Criteria: ACMG Guidelines, 2015. Collection method: clinical testing. Allele origin: germline. Affected: yes.
Comment: PP2, PM2, PS2